The following is an entry in ClinVar:

NM_002907.4(RECQL):c.1160T>C (p.Ile387Thr)

Gene: RECQL (RecQ like helicase; minus strand). Cytogenetic location: 12p12.1.
Variant type: single nucleotide variant.
Coding change: c.1160T>C on transcript NM_002907.4 (MANE Select); coding-DNA position 1160, T replaced by C.
Protein change: p.Ile387Thr; replaces isoleucine 387 with threonine.
Molecular consequence: missense variant.
Genome position (GRCh38, 1-based): chr12:21,475,524, A>G on the plus strand (T>C on the coding strand, the complement: RECQL is on the minus strand). VCF-style: chr12-21475524-A-G. GRCh37 (hg19) VCF-style: chr12-21628458-A-G.
Other names: c.1160T>C, p.Ile387Thr (NM_032941.3); short protein forms I387T.
Identifiers: ClinVar variation 1736676 (VCV001736676.2), dbSNP rs1178901516, ClinGen allele CA384119720.
Genomic context (GRCh38, chr12:21,475,524, plus strand): 5'-ATACCTGCACGTCCACTCTCTTGGTAATAATTTTCCATGGATTTACTCATTGAATGATGG[A>G]TAACAAACCTCACATCTGGCTTATCAATTCCCATACCAAATGCAACAGTTGCCACTACTA-3'
Protein context (NP_002898.2, residues 377-397): GIDKPDVRFV[Ile387Thr]HHSMSKSMEN

ClinVar aggregate classification (germline): Uncertain significance (1 of 4 stars; one submission).

gnomAD v4.1: 5 of 1,613,068 alleles (0.00031%); highest among the groups gnomAD compares: Non-Finnish European, 0.00042%; no homozygotes.

Submission:

Ambry Genetics
Classification: Uncertain significance. Last evaluated: 2021-06-15. Review status: criteria provided, single submitter. Criteria: Ambry Variant Classification Scheme 2023. Collection method: clinical testing. Allele origin: germline.
Comment: The p.I387T variant (also known as c.1160T>C), located in coding exon 9 of the RECQL gene, results from a T to C substitution at nucleotide position 1160. The isoleucine at codon 387 is replaced by threonine, an amino acid with similar properties. This amino acid position is highly conserved in available vertebrate species. In addition, this alteration is predicted to be deleterious by in silico analysis. Since supporting evidence is limited at this time, the clinical significance of this alteration remains unclear.